The following is an entry in ClinVar:

ClinVar aggregate classification (germline): Pathogenic (1 of 4 stars; one submission).

Conditions:
Ataxia-telangiectasia syndrome (AT). Also called: Ataxia-telangiectasia; LOUIS-BAR SYNDROME; Ataxia-telangiectasia, complementation group D; AT, COMPLEMENTATION GROUP C; ATAXIA-TELANGIECTASIA, COMPLEMENTATION GROUP A; ATAXIA-TELANGIECTASIA, FRESNO VARIANT. Identifiers: Orphanet 100, MedGen C0004135, MONDO:0008840, OMIM 208900.

Submission:

Labcorp Genetics (formerly Invitae), Labcorp
Classification: Pathogenic for Ataxia-telangiectasia syndrome. Last evaluated: 2020-11-07. Review status: criteria provided, single submitter. Criteria: Invitae Variant Classification Sherloc (09022015). Collection method: clinical testing. Allele origin: germline.
Comment: For these reasons, this variant has been classified as Pathogenic. This variant has not been reported in the literature in individuals with ATM-related conditions. This variant is not present in population databases (ExAC no frequency). This sequence change creates a premature translational stop signal (p.Gln2433Argfs*7) in the ATM gene. It is expected to result in an absent or disrupted protein product. Loss-of-function variants in ATM are known to be pathogenic (PMID: 23807571, 25614872).

Literature cited by the submitters: PubMed 23807571; PubMed 25614872.

NM_000051.4(ATM):c.7296del (p.Gln2433fs)

Genes: ATM (ATM serine/threonine kinase; plus strand), C11orf65 (chromosome 11 open reading frame 65; minus strand). Cytogenetic location: 11q22.3.
Variant type: Deletion.
Coding change: c.7296del on transcript NM_000051.4 (MANE Select); coding-DNA position 7296, one base deleted (T; older notation c.7296delT).
Protein change: p.Gln2433fs; shifts the reading frame from glutamine 2433.
Molecular consequence: frameshift variant. On other transcripts: intron variant (2).
Genome position (GRCh38, 1-based): chr11:108,329,227, T deleted; the last of 2 consecutive T bases (chr11:108,329,226-108,329,227); deleting either gives the same sequence. VCF-style (leftmost placement, unchanged base first): chr11-108329225-AT-A. GRCh37 (hg19) VCF-style: chr11-108199952-AT-A.
Other names: c.7296del, p.Gln2433fs (NM_001351834.2); c.641-20155del (NM_001330368.2); c.*38+5994del (NM_001351110.2); short protein forms Q2433fs.
Identifiers: ClinVar variation 1411982 (VCV001411982.7), dbSNP rs2136423623, ClinGen allele CA2573146660.
Genomic context (GRCh38, chr11:108,329,225, plus strand): 5'-AACAAGCAAGCTCTCCTGAAAAGAGCCAAAGAGGAAGTAGGTCTCCTTAGGGAACATAAA[AT>A]TCAGACAAACAGGTAACTAGGTTTCTACAAGTGACAATTTTATGTTCACCAGTTAACTGA-3'